The following is an entry in ClinVar:

NM_014264.5(PLK4):c.1115dup (p.Tyr372Ter)

Gene: PLK4 (polo like kinase 4; plus strand). Cytogenetic location: 4q28.1.
Variant type: Duplication.
Coding change: c.1115dup on transcript NM_014264.5 (MANE Select); coding-DNA position 1115, one base duplicated (A; older notation c.1115dupA).
Protein change: p.Tyr372Ter; replaces tyrosine 372 with a stop codon.
Molecular consequence: nonsense.
Genome position (GRCh38, 1-based): chr4:127,886,485, A duplicated. VCF-style (leftmost placement, unchanged base first): chr4-127886484-T-TA. GRCh37 (hg19) VCF-style: chr4-128807639-T-TA.
Other names: c.1019dup, p.Tyr340Ter (NM_001190799.2); c.992dup, p.Tyr331Ter (NM_001190801.2); short protein forms Y331*, Y340*, Y372*.
Identifiers: ClinVar variation 3644620 (VCV003644620.2).

ClinVar aggregate classification (germline): Pathogenic (1 of 4 stars; one submission).

Submission:

Labcorp Genetics (formerly Invitae), Labcorp
Classification: Pathogenic. Last evaluated: 2024-03-05. Review status: criteria provided, single submitter. Criteria: Invitae Variant Classification Sherloc (09022015). Collection method: clinical testing. Allele origin: germline.
Comment: This sequence change creates a premature translational stop signal (p.Tyr372*) in the PLK4 gene. It is expected to result in an absent or disrupted protein product. Loss-of-function variants in PLK4 are known to be pathogenic (PMID: 25320347, 30842647). This variant is present in population databases (no rsID available, gnomAD 0.007%). This variant has not been reported in the literature in individuals affected with PLK4-related conditions. For these reasons, this variant has been classified as Pathogenic.

Literature cited by the submitters: PubMed 25320347; PubMed 30842647.